The following is an entry in ClinVar:

ClinVar aggregate classification (germline): Uncertain significance (1 of 4 stars; one submission).

Submission:

Labcorp Genetics (formerly Invitae), Labcorp
Classification: Uncertain significance. Last evaluated: 2024-02-24. Review status: criteria provided, single submitter. Criteria: Invitae Variant Classification Sherloc (09022015). Collection method: clinical testing. Allele origin: germline.
Comment: This sequence change creates a premature translational stop signal (p.Pro212Argfs*28) in the KPNA7 gene. It is expected to result in an absent or disrupted protein product. However, the current clinical and genetic evidence is not sufficient to establish whether loss-of-function variants in KPNA7 cause disease. This variant is not present in population databases (gnomAD no frequency). This variant has not been reported in the literature in individuals affected with KPNA7-related conditions. ClinVar contains an entry for this variant (Variation ID: 1519059). In summary, the available evidence is currently insufficient to determine the role of this variant in disease. Therefore, it has been classified as a Variant of Uncertain Significance.

NM_001145715.3(KPNA7):c.635del (p.Pro212fs)

Gene: KPNA7 (karyopherin subunit alpha 7; minus strand). Cytogenetic location: 7q22.1.
Variant type: Deletion.
Coding change: c.635del on transcript NM_001145715.3 (MANE Select); coding-DNA position 635, one base deleted (C; older notation c.635delC).
Protein change: p.Pro212fs; shifts the reading frame from proline 212.
Molecular consequence: frameshift variant.
Genome position (GRCh38, 1-based): chr7:99,193,020, G deleted on the plus strand (C on the coding strand, the reverse complement: KPNA7 is on the minus strand); the first of 2 consecutive G bases (chr7:99,193,020-99,193,021); deleting either gives the same sequence. VCF-style (leftmost placement, unchanged base first): chr7-99193019-CG-C. GRCh37 (hg19) VCF-style: chr7-98790642-CG-C.
Other names: short protein forms P212fs.
Identifiers: ClinVar variation 1519059 (VCV001519059.6), dbSNP rs2150745471, ClinGen allele CA2573142535.
Genomic context (GRCh38, chr7:99,193,019, plus strand): 5'-TTAAGATTATTTTAAAATTTTAATTTAAAAAAAAAAAAAGAGAAAGAAAAAGACACTTAC[CG>C]GCAGGGTGGGTGAAATCAAGGCTAGGAGATGTGGGATGGCATTGCTTGTGATGACGTTAT-3'